The following is an entry in ClinVar:

ClinVar aggregate classification (germline): Benign (0 of 4 stars; one submission).

Conditions:
CPZ-related disorder. Also called: CPZ-related condition.

Allele frequency attached by ClinVar (database versions not stated): 1000 Genomes Project 0.09485; 1000 Genomes Project 30x 0.10103; ESP Exome Variant Server 0.10156.
gnomAD v4.1: 30,510 of 1,591,652 alleles (1.9%); highest among the groups gnomAD compares: African/African-American, 31%; 3,851 homozygotes.

Submission:

PreventionGenetics, part of Exact Sciences
Classification: Benign for CPZ-related condition. Last evaluated: 2019-12-20. Review status: no assertion criteria provided. Collection method: clinical testing. Allele origin: germline.
Comment: This variant is classified as benign based on ACMG/AMP sequence variant interpretation guidelines (Richards et al. 2015 PMID: 25741868, with internal and published modifications).

NM_001014447.3(CPZ):c.654C>T (p.Asp218=)

Gene: CPZ (carboxypeptidase Z; plus strand). Cytogenetic location: 4p16.1.
Variant type: single nucleotide variant.
Coding change: c.654C>T on transcript NM_001014447.3 (MANE Select); coding-DNA position 654, C replaced by T.
Protein change: p.Asp218=; no amino-acid change (aspartic acid 218 retained).
Molecular consequence: synonymous variant.
Genome position (GRCh38, 1-based): chr4:8,604,133, C>T. VCF-style: chr4-8604133-C-T. GRCh37 (hg19) VCF-style: chr4-8605860-C-T.
Other names: c.243C>T, p.Asp81= (NM_001014448.3); c.621C>T, p.Asp207= (NM_003652.4).
Identifiers: ClinVar variation 3055879 (VCV003055879.2), dbSNP rs28421391, ClinGen allele CA2853260.
Genomic context (GRCh38, chr4:8,604,133, plus strand): 5'-GCGGACGGCCTCCCGCTGCGCCCACGTGGCCAGGACCTACAGCATCGGGCGCAGCTTCGA[C>T]GGCAGGGAGCTGCTGGTCATCGAGTTCTCCAGCCGCCCCGGCCAGCACGAGCTGAGTGAG-3'
Protein context (NP_001014447.2, residues 208-228): ARTYSIGRSF[Asp218=]GRELLVIEFS